The following is an entry in ClinVar:

ClinVar aggregate classification (germline): Benign/Likely benign. Review status: criteria provided, multiple submitters, no conflicts (2 of 4 stars). 6 submissions from 6 submitters: Benign (2); Likely benign (4). Last evaluated 2026-07-10.

Conditions:
Hereditary nonpolyposis colon cancer (HNPCC). Also called: Hereditary nonpolyposis colorectal cancer; Familial nonpolyposis colon cancer; Hereditary Nonpolyposis Colorectal Cancer Syndrome. Identifiers: Orphanet 443909, MedGen C1333990, MONDO:0018630. Disease mechanism: loss of function.
Hereditary cancer-predisposing syndrome. Also called: Neoplastic Syndromes, Hereditary; Tumor predisposition; Hereditary Cancer Syndrome; Hereditary neoplastic syndrome. Identifiers: Orphanet 140162, MedGen C0027672, MeSH D009386, MONDO:0015356.
Rhabdoid tumor predisposition syndrome 2 (RTPS2). Identifiers: Orphanet 231108, Orphanet 69077, MedGen C2750074, MONDO:0013224, OMIM 613325.

Allele frequency attached by ClinVar (database versions not stated): TOPMed 0.00004; gnomAD exomes 0.00002 and 0.00004; gnomAD 0.00004 and 0.00003; ESP Exome Variant Server 0.00008; ExAC 0.00005.
gnomAD v4.1: 38 of 1,613,178 alleles (0.0024%); highest among the groups gnomAD compares: Middle Eastern, 0.15%; no homozygotes.

Submissions (6):

Myriad Genetics, Inc.
Classification: Benign for Rhabdoid tumor predisposition syndrome 2. Last evaluated: 2026-07-10. Review status: criteria provided, single submitter. Criteria: Myriad Autosomal Dominant, Autosomal Recessive and X-Linked Classification Criteria (2023). Collection method: clinical testing. Allele origin: unknown.
Comment: This variant is considered benign. This variant is intronic and is not expected to impact mRNA splicing. This variant has been observed at a population frequency that is significantly greater than expected given the associated disease prevalence and penetrance.

Labcorp Genetics (formerly Invitae), Labcorp
Classification: Likely benign for Rhabdoid tumor predisposition syndrome 2. Last evaluated: 2026-01-27. Review status: criteria provided, single submitter. Criteria: Invitae Variant Classification Sherloc (09022015). Collection method: clinical testing. Allele origin: germline.

Blueprint Genetics
Classification: Likely benign. Last evaluated: 2024-03-11. Review status: criteria provided, single submitter. Criteria: ACMG Guidelines, 2015. Collection method: clinical testing. Allele origin: germline.

Department of Pathology and Laboratory Medicine, Sinai Health System
Classification: Likely benign for hereditary nonpolyposis colon cancer. Last evaluated: 2023-09-28. Review status: criteria provided, single submitter. Criteria: ACMG Guidelines, 2015. Collection method: clinical testing. Allele origin: germline. Affected: yes.

Sema4
Classification: Benign for Hereditary cancer-predisposing syndrome. Last evaluated: 2021-03-28. Review status: criteria provided, single submitter. Criteria: Sema4 Curation Guidelines. Collection method: curation. Allele origin: germline.

Breakthrough Genomics
Classification: Likely benign. Review status: criteria provided, single submitter. Criteria: ACMG Guidelines, 2015. Collection method: not provided. Allele origin: germline. Inheritance: Autosomal dominant inheritance. Affected: yes.

NM_003072.5(SMARCA4):c.2002-12G>A

Gene: SMARCA4 (SWI/SNF related BAF chromatin remodeling complex subunit ATPase 4; plus strand). Cytogenetic location: 19p13.2.
Variant type: single nucleotide variant.
Coding change: c.2002-12G>A on transcript NM_003072.5 (MANE Select); 12 bases into the intron before coding-DNA position 2002, G replaced by A.
Molecular consequence: intron variant.
Genome position (GRCh38, 1-based): chr19:11,007,890, G>A. VCF-style: chr19-11007890-G-A. GRCh37 (hg19) VCF-style: chr19-11118566-G-A.
Other names: c.2002-12G>A (NM_001128849.2, NM_001128844.3, NM_001128849.3 and 6 more transcripts).
Identifiers: ClinVar variation 1568434 (VCV001568434.13), dbSNP rs377458938, ClinGen allele CA9203985.